The following is an entry in ClinVar:

NM_001164665.2(KIAA1549):c.3506C>T (p.Ser1169Phe)

Gene: KIAA1549 (KIAA1549; minus strand). Cytogenetic location: 7q34.
Variant type: single nucleotide variant.
Coding change: c.3506C>T on transcript NM_001164665.2 (MANE Select); coding-DNA position 3506, C replaced by T.
Protein change: p.Ser1169Phe; replaces serine 1169 with phenylalanine.
Molecular consequence: missense variant.
Genome position (GRCh38, 1-based): chr7:138,905,036, G>A on the plus strand (C>T on the coding strand, the complement: KIAA1549 is on the minus strand). VCF-style: chr7-138905036-G-A. GRCh37 (hg19) VCF-style: chr7-138589782-G-A.
Other names: c.3506C>T, p.Ser1169Phe (NM_020910.3); short protein forms S1169F.
Identifiers: ClinVar variation 2080786 (VCV002080786.4), dbSNP rs2485536612, ClinGen allele CA369383346.
Genomic context (GRCh38, chr7:138,905,036, plus strand): 5'-CTTCTTCTCCTTACAGTTCCCAAAATATTACATAAGTTAAACATACCTGTTCTGACCCAA[G>A]AGGACTTCAGCAACTGAGATAAGTTGAGCTGTGGATACTGGAAGGCTACAAAAGGGAAAG-3'
Protein context (NP_001158137.1, residues 1159-1179): QLNLSQLLKS[Ser1169Phe]WVRTVLLGVM

ClinVar aggregate classification (germline): Uncertain significance (1 of 4 stars; one submission).

Submission:

Labcorp Genetics (formerly Invitae), Labcorp
Classification: Uncertain significance. Last evaluated: 2023-04-05. Review status: criteria provided, single submitter. Criteria: Invitae Variant Classification Sherloc (09022015). Collection method: clinical testing. Allele origin: germline.
Comment: In summary, the available evidence is currently insufficient to determine the role of this variant in disease. Therefore, it has been classified as a Variant of Uncertain Significance. This sequence change replaces serine, which is neutral and polar, with phenylalanine, which is neutral and non-polar, at codon 1169 of the KIAA1549 protein (p.Ser1169Phe). This variant is not present in population databases (gnomAD no frequency). This variant has not been reported in the literature in individuals affected with KIAA1549-related conditions. ClinVar contains an entry for this variant (Variation ID: 2080786). An algorithm developed to predict the effect of missense changes on protein structure and function (PolyPhen-2) suggests that this variant is likely to be disruptive.